The following is an entry in ClinVar:

ClinVar aggregate classification (germline): Uncertain significance. Review status: criteria provided, multiple submitters, no conflicts (2 of 4 stars). 2 submissions from 2 submitters: Uncertain significance (2). Last evaluated 2025-05-22.

Allele frequency attached by ClinVar (database versions not stated): ExAC 0.00002; TOPMed 0.00002; gnomAD 0.00003; gnomAD exomes 0.00003; 1000 Genomes Project 0.00020; 1000 Genomes Project 30x 0.00031.
gnomAD v4.1: 37 of 1,614,140 alleles (0.0023%); highest among the groups gnomAD compares: Middle Eastern, 0.049%; no homozygotes.

Submissions (2):

Labcorp Genetics (formerly Invitae), Labcorp
Classification: Uncertain significance. Last evaluated: 2025-05-22. Review status: criteria provided, single submitter. Criteria: Invitae Variant Classification Sherloc (09022015). Collection method: clinical testing. Allele origin: germline.
Comment: This sequence change creates a premature translational stop signal (p.Arg468*) in the CETP gene. While this is not anticipated to result in nonsense mediated decay, it is expected to disrupt the last 26 amino acid(s) of the CETP protein. This variant is present in population databases (rs577301331, gnomAD 0.007%). This premature translational stop signal has been observed in individual(s) with elevated high-density lipoprotein (HDL) cholesterol (PMID: 26740239). This variant is also known as c.1207C>T (p.Arg403X). ClinVar contains an entry for this variant (Variation ID: 319998). Experimental studies and prediction algorithms are not available or were not evaluated, and the functional significance of this variant is currently unknown. In summary, the available evidence is currently insufficient to determine the role of this variant in disease. Therefore, it has been classified as a Variant of Uncertain Significance.

CeGaT Center for Human Genetics Tuebingen
Classification: Uncertain significance. Last evaluated: 2024-06-01. Review status: criteria provided, single submitter. Criteria: CeGaT Center For Human Genetics Tuebingen Variant Classification Criteria Version 2. Collection method: clinical testing. Allele origin: germline. Affected: yes. Observed: 2 variant alleles.
Comment: CETP: PVS1:Moderate

Literature cited by the submitters: PubMed 26740239 (cited by Labcorp Genetics (formerly Invitae), Labcorp).

NM_000078.3(CETP):c.1402C>T (p.Arg468Ter)

Gene: CETP (cholesteryl ester transfer protein; plus strand). Cytogenetic location: 16q13.
Variant type: single nucleotide variant.
Coding change: c.1402C>T on transcript NM_000078.3 (MANE Select); coding-DNA position 1402, C replaced by T.
Protein change: p.Arg468Ter; replaces arginine 468 with a stop codon.
Molecular consequence: nonsense.
Genome position (GRCh38, 1-based): chr16:56,983,406, C>T. VCF-style: chr16-56983406-C-T. GRCh37 (hg19) VCF-style: chr16-57017318-C-T.
Other names: c.1222C>T, p.Arg408Ter (NM_001286085.2); short protein forms R468*, R408*.
Identifiers: ClinVar variation 319998 (VCV000319998.30), dbSNP rs577301331, ClinGen allele CA8071375.